The following is an entry in ClinVar:

NM_000077.5(CDKN2A):c.79G>C (p.Glu27Gln)

Gene: CDKN2A (cyclin dependent kinase inhibitor 2A; minus strand). Cytogenetic location: 9p21.3.
Variant type: single nucleotide variant.
Coding change: c.79G>C on transcript NM_000077.5; coding-DNA position 79, G replaced by C.
Protein change: p.Glu27Gln; replaces glutamic acid 27 with glutamine.
Molecular consequence: missense variant (on NM_000077.6). On other transcripts: intron variant (2).
Genome position (GRCh38, 1-based): chr9:21,974,749, C>G on the plus strand (G>C on the coding strand, the complement: CDKN2A is on the minus strand). VCF-style: chr9-21974749-C-G. GRCh37 (hg19) VCF-style: chr9-21974748-C-G.
Other names: c.79G>C, p.Glu27Gln (NM_000077.6, NM_001195132.2, NM_058197.5); c.-3-3541G>C (NM_001363763.2); c.194-3541G>C (NM_058195.4); short protein forms E27Q.
Identifiers: ClinVar variation 4735824 (VCV004735824.1).

ClinVar aggregate classification (germline): Uncertain significance (1 of 4 stars; one submission).

Conditions:
Familial melanoma. Also called: Hereditary melanoma; Hereditary cutaneous melanoma. Identifiers: Orphanet 618, MedGen C1512419, MONDO:0018961.

Submission:

Labcorp Genetics (formerly Invitae), Labcorp
Classification: Uncertain significance for Familial melanoma. Last evaluated: 2026-01-25. Review status: criteria provided, single submitter. Criteria: Invitae Variant Classification Sherloc (09022015). Collection method: clinical testing. Allele origin: germline.
Comment: This sequence change replaces glutamic acid, which is acidic and polar, with glutamine, which is neutral and polar, at codon 27 of the CDKN2A (p16INK4a) protein (p.Glu27Gln). This variant is not present in population databases (gnomAD no frequency). This variant has not been reported in the literature in individuals affected with CDKN2A (p16INK4a)-related conditions. An algorithm developed to predict the effect of missense changes on protein structure and function (PolyPhen-2) suggests that this variant is likely to be disruptive. In summary, the available evidence is currently insufficient to determine the role of this variant in disease. Therefore, it has been classified as a Variant of Uncertain Significance.